The following is an entry in ClinVar:

NM_001080477.4(TENM3):c.4988T>C (p.Ile1663Thr)

Gene: TENM3 (teneurin transmembrane protein 3; plus strand). Cytogenetic location: 4q35.1.
Variant type: single nucleotide variant.
Coding change: c.4988T>C on transcript NM_001080477.4 (MANE Select); coding-DNA position 4988, T replaced by C.
Protein change: p.Ile1663Thr; replaces isoleucine 1663 with threonine.
Molecular consequence: missense variant.
Genome position (GRCh38, 1-based): chr4:182,773,567, T>C. VCF-style: chr4-182773567-T-C. GRCh37 (hg19) VCF-style: chr4-183694720-T-C.
Other names: c.4220T>C, p.Ile1407Thr (NM_001415960.1); c.4193T>C, p.Ile1398Thr (NM_001415961.1); c.4190T>C, p.Ile1397Thr (NM_001415962.1); c.4172T>C, p.Ile1391Thr (NM_001415963.1); c.4169T>C, p.Ile1390Thr (NM_001415964.1); c.4706T>C, p.Ile1569Thr (NM_001415966.1); c.4730T>C, p.Ile1577Thr (NM_001415967.1); c.5006T>C, p.Ile1669Thr (NM_001415968.1); and 4 more; short protein forms I1670T, I1391T, I1407T, I1577T, I1569T, I1662T, I1669T, I1390T.
Identifiers: ClinVar variation 2364989 (VCV002364989.9), dbSNP rs773160754, ClinGen allele CA3148515.
Genomic context (GRCh38, chr4:182,773,567, plus strand): 5'-TTCCAACTGGAGTGGTCACAAACCTGCATGGGGACATGGACAAGGCTATCACAGTGGACA[T>C]TGAGTCATCTAGCCGAGAAGAAGATGTCAGCATCACTTCAAATCTGTCCTCGATCGATTC-3'
Protein context (NP_001073946.1, residues 1653-1673): GDMDKAITVD[Ile1663Thr]ESSSREEDVS

ClinVar aggregate classification (germline): Uncertain significance. Review status: criteria provided, multiple submitters, no conflicts (2 of 4 stars). 2 submissions from 2 submitters: Uncertain significance (2). Last evaluated 2025-11-01.

Conditions:
Inborn genetic diseases. Identifiers: MedGen C0950123, MeSH D030342.

Allele frequency attached by ClinVar (database versions not stated): ExAC 0.00009; TOPMed 0.00010; gnomAD 0.00011; 1000 Genomes Project 30x 0.00016.
gnomAD v4.1: 125 of 1,613,892 alleles (0.0077%); highest among the groups gnomAD compares: Middle Eastern, 0.016%; no homozygotes.

Submissions (2):

CeGaT Center for Human Genetics Tuebingen
Classification: Uncertain significance. Last evaluated: 2025-11-01. Review status: criteria provided, single submitter. Criteria: CeGaT Center For Human Genetics Tuebingen Variant Classification Criteria Version 2. Collection method: clinical testing. Allele origin: germline. Affected: yes. Observed: 1 variant allele.
Comment: TENM3: PM2

Ambry Genetics
Classification: Uncertain significance for Inborn genetic diseases. Last evaluated: 2025-04-10. Review status: criteria provided, single submitter. Criteria: Ambry Variant Classification Scheme 2023. Collection method: clinical testing. Allele origin: germline.